The following is an entry in ClinVar:

ClinVar aggregate classification (germline): Uncertain significance (1 of 4 stars; one submission).

Conditions:
Hyperekplexia 3 (HKPX3). Also called: HYPEREKPLEXIA 3, AUTOSOMAL RECESSIVE; HYPEREKPLEXIA 3, AUTOSOMAL DOMINANT. Identifiers: Orphanet 3197, MedGen C3553288, MONDO:0013827, OMIM 614618.

Allele frequency attached by ClinVar (database versions not stated): TOPMed below 0.00001.

Submission:

Labcorp Genetics (formerly Invitae), Labcorp
Classification: Uncertain significance for Hyperekplexia 3. Last evaluated: 2024-11-11. Review status: criteria provided, single submitter. Criteria: Invitae Variant Classification Sherloc (09022015). Collection method: clinical testing. Allele origin: germline.
Comment: This sequence change replaces alanine, which is neutral and non-polar, with valine, which is neutral and non-polar, at codon 481 of the SLC6A5 protein (p.Ala481Val). This variant is not present in population databases (gnomAD no frequency). This variant has not been reported in the literature in individuals affected with SLC6A5-related conditions. ClinVar contains an entry for this variant (Variation ID: 1996208). Invitae Evidence Modeling of protein sequence and biophysical properties (such as structural, functional, and spatial information, amino acid conservation, physicochemical variation, residue mobility, and thermodynamic stability) has been performed for this missense variant. However, the output from this modeling did not meet the statistical confidence thresholds required to predict the impact of this variant on SLC6A5 protein function. In summary, the available evidence is currently insufficient to determine the role of this variant in disease. Therefore, it has been classified as a Variant of Uncertain Significance.

NM_004211.5(SLC6A5):c.1442C>T (p.Ala481Val)

Gene: SLC6A5 (solute carrier family 6 member 5; plus strand). Cytogenetic location: 11p15.1.
Variant type: single nucleotide variant.
Coding change: c.1442C>T on transcript NM_004211.5 (MANE Select); coding-DNA position 1442, C replaced by T.
Protein change: p.Ala481Val; replaces alanine 481 with valine.
Molecular consequence: missense variant.
Genome position (GRCh38, 1-based): chr11:20,628,026, C>T. VCF-style: chr11-20628026-C-T. GRCh37 (hg19) VCF-style: chr11-20649572-C-T.
Other names: c.740C>T, p.Ala247Val (NM_001318369.2); short protein forms A247V, A481V.
Identifiers: ClinVar variation 1996208 (VCV001996208.4), dbSNP rs1853034099, ClinGen allele CA379917263.